The following is an entry in ClinVar:

NM_014946.4(SPAST):c.1574A>G (p.Gln525Arg)

Gene: SPAST (spastin; plus strand). Cytogenetic location: 2p22.3.
Variant type: single nucleotide variant.
Coding change: c.1574A>G on transcript NM_014946.4 (MANE Select); coding-DNA position 1574, A replaced by G.
Protein change: p.Gln525Arg; replaces glutamine 525 with arginine.
Molecular consequence: missense variant.
Genome position (GRCh38, 1-based): chr2:32,143,373, A>G. VCF-style: chr2-32143373-A-G. GRCh37 (hg19) VCF-style: chr2-32368442-A-G.
Other names: c.1571A>G, p.Gln524Arg (NM_001363823.2); c.1475A>G, p.Gln492Arg (NM_001363875.2); c.1478A>G, p.Gln493Arg (NM_001377959.1, NM_199436.2); short protein forms Q492R, Q493R, Q524R, Q525R.
Identifiers: ClinVar variation 1256245 (VCV001256245.4), dbSNP rs2148759426, ClinGen allele CA346503748.
Genomic context (GRCh38, chr2:32,143,373, plus strand): 5'-GATCATTTTTTAATATTTTTCAGACAAGACTACTTTTGCTTAAAAATCTGTTATGTAAAC[A>G]AGGAAGTCCATTGACCCAAAAAGAACTAGCACAACTTGCTAGGTGAGTAATTTGGATTTG-3'
Protein context (NP_055761.2, residues 515-535): LLLLKNLLCK[Gln525Arg]GSPLTQKELA

ClinVar aggregate classification (germline): Uncertain significance. Review status: criteria provided, multiple submitters, no conflicts (2 of 4 stars). 2 submissions from 2 submitters: Uncertain significance (2). Last evaluated 2024-10-07.

Conditions:
Hereditary spastic paraplegia 4. Also called: Spastic paraplegia 4, autosomal dominant; Familial spastic paraplegia autosomal dominant 2; Spastic Paraplegia 4. Identifiers: Orphanet 100985, MedGen C1866855, MONDO:0008438, OMIM 182601.

Submissions (2):

Labcorp Genetics (formerly Invitae), Labcorp
Classification: Uncertain significance for Hereditary spastic paraplegia 4. Last evaluated: 2024-10-07. Review status: criteria provided, single submitter. Criteria: Invitae Variant Classification Sherloc (09022015). Collection method: clinical testing. Allele origin: germline.
Comment: This sequence change replaces glutamine, which is neutral and polar, with arginine, which is basic and polar, at codon 525 of the SPAST protein (p.Gln525Arg). This variant is not present in population databases (gnomAD no frequency). This variant has not been reported in the literature in individuals affected with SPAST-related conditions. ClinVar contains an entry for this variant (Variation ID: 1256245). Invitae Evidence Modeling of protein sequence and biophysical properties (such as structural, functional, and spatial information, amino acid conservation, physicochemical variation, residue mobility, and thermodynamic stability) indicates that this missense variant is not expected to disrupt SPAST protein function with a negative predictive value of 80%. In summary, the available evidence is currently insufficient to determine the role of this variant in disease. Therefore, it has been classified as a Variant of Uncertain Significance.

Athena Diagnostics
Classification: Uncertain significance. Last evaluated: 2022-12-20. Review status: criteria provided, single submitter. Criteria: Athena Diagnostics Criteria. Collection method: clinical testing. Allele origin: unknown.
Comment: Available data are insufficient to determine the clinical significance of the variant at this time. This variant has not been reported in large, multi-ethnic general populations. Computational tools predict that this variant is not damaging. The variant is located in a region that is considered important for protein function and/or structure.